The following is an entry in ClinVar:

ClinVar aggregate classification (germline): Uncertain significance (1 of 4 stars; one submission).

Conditions:
RASopathy. Also called: Noonan spectrum disorder; rasopathies. Identifiers: Orphanet 536391, MedGen C5555857, MONDO:0021060.

Submission:

Labcorp Genetics (formerly Invitae), Labcorp
Classification: Uncertain significance for RASopathy. Last evaluated: 2023-07-07. Review status: criteria provided, single submitter. Criteria: Invitae Variant Classification Sherloc (09022015). Collection method: clinical testing. Allele origin: germline.
Comment: This sequence change replaces threonine, which is neutral and polar, with serine, which is neutral and polar, at codon 244 of the BRAF protein (p.Thr244Ser). This variant is not present in population databases (gnomAD no frequency). This variant has not been reported in the literature in individuals affected with BRAF-related conditions. Advanced modeling of protein sequence and biophysical properties (such as structural, functional, and spatial information, amino acid conservation, physicochemical variation, residue mobility, and thermodynamic stability) performed at Invitae indicates that this missense variant is not expected to disrupt BRAF protein function. This variant disrupts the p.Thr244 amino acid residue in BRAF. Other variant(s) that disrupt this residue have been determined to be pathogenic (PMID: 17551924, 27521173, 29907801). This suggests that this residue is clinically significant, and that variants that disrupt this residue are likely to be disease-causing. In summary, the available evidence is currently insufficient to determine the role of this variant in disease. Therefore, it has been classified as a Variant of Uncertain Significance.

Literature cited by the submitters: PubMed 17551924; PubMed 27521173; PubMed 29907801.

NM_004333.6(BRAF):c.731C>G (p.Thr244Ser)

Gene: BRAF (B-Raf proto-oncogene, serine/threonine kinase; minus strand). Cytogenetic location: 7q34.
Variant type: single nucleotide variant.
Coding change: c.731C>G on transcript NM_004333.6 (MANE Select); coding-DNA position 731, C replaced by G.
Protein change: p.Thr244Ser; replaces threonine 244 with serine.
Molecular consequence: missense variant.
Genome position (GRCh38, 1-based): chr7:140,801,541, G>C on the plus strand (C>G on the coding strand, the complement: BRAF is on the minus strand). VCF-style: chr7-140801541-G-C. GRCh37 (hg19) VCF-style: chr7-140501341-G-C.
Other names: c.731C>G, p.Thr244Ser (NM_001378469.1, NM_001378471.1, NM_001378474.1 and 4 more transcripts); c.629C>G, p.Thr210Ser (NM_001378470.1); c.575C>G, p.Thr192Ser (NM_001378472.1, NM_001378473.1); c.467C>G, p.Thr156Ser (NM_001378475.1); c.740C>G, p.Thr247Ser (NM_001378467.1); short protein forms T156S, T247S, T244S, T210S, T192S.
Identifiers: ClinVar variation 2736869 (VCV002736869.3), dbSNP rs1803111976, ClinGen allele CA369590862.
Genomic context (GRCh38, chr7:140,801,541, plus strand): 5'-CATGTTTGACAGCGGAAACCCTGGAAAAGCAGCTTTCGACAAAAGTCACAAAATGCTAAG[G>C]TGAAAAACGTTTTTCGTACCTGCAAAGTAAAAAATCACAGAGATTTCAAAAACTCACAAG-3'
Protein context (NP_004324.2, residues 234-254): THNFVRKTFF[Thr244Ser]LAFCDFCRKL